The following is an entry in ClinVar:

NM_005159.5(ACTC1):c.1083G>A (p.Lys361=)

Genes: ACTC1 (actin alpha cardiac muscle 1; minus strand), GJD2-DT (GJD2 divergent transcript; plus strand). Cytogenetic location: 15q14.
Variant type: single nucleotide variant.
Coding change: c.1083G>A on transcript NM_005159.5 (MANE Select); coding-DNA position 1083, G replaced by A.
Protein change: p.Lys361=; no amino-acid change (lysine 361 retained).
Molecular consequence: synonymous variant.
Genome position (GRCh38, 1-based): chr15:34,790,463, C>T on the plus strand (G>A on the coding strand, the complement: ACTC1 is on the minus strand). VCF-style: chr15-34790463-C-T. GRCh37 (hg19) VCF-style: chr15-35082664-C-T.
Other names: c.1083G>A (LRG_388t1).
Identifiers: ClinVar variation 513570 (VCV000513570.2), dbSNP rs754736799, ClinGen allele CA040669.

ClinVar aggregate classification (germline): Likely benign. Review status: criteria provided, multiple submitters, no conflicts (2 of 4 stars). 2 submissions from 2 submitters: Likely benign (2). Last evaluated 2024-07-29.

Conditions:
Hypertrophic cardiomyopathy. Also called: HYPERTROPHIC MYOCARDIOPATHY. Identifiers: Orphanet 217569, MedGen C0007194, MeSH D002312, MONDO:0005045, HP:0001639.

Allele frequency attached by ClinVar (database versions not stated): gnomAD exomes below 0.00001; ExAC 0.00001.
gnomAD v4.1: 1 of 1,614,190 alleles (0.000062%); highest among the groups gnomAD compares: Admixed American, 0.0017%; no homozygotes.

Submissions (2):

All of Us Research Program, National Institutes of Health
Classification: Likely benign for Hypertrophic cardiomyopathy. Last evaluated: 2024-07-29. Review status: criteria provided, single submitter. Criteria: ACMG Guidelines, 2015. Collection method: clinical testing. Allele origin: germline. Inheritance: Autosomal dominant inheritance. Observed: 2 variant alleles, 2 heterozygotes.
Comment: This study involves interpretation of variants in research participants for the purpose of population health screening. Participant phenotype was not available at the time of variant classification. Additional details can be found in publication PMID: 35346344, PMCID: PMC8962531

GeneDx
Classification: Likely benign. Last evaluated: 2017-11-27. Review status: criteria provided, single submitter. Criteria: GeneDx Variant Classification (06012015). Collection method: clinical testing. Allele origin: germline. Affected: yes.
Comment: This variant is considered likely benign or benign based on one or more of the following criteria: it is a conservative change, it occurs at a poorly conserved position in the protein, it is predicted to be benign by multiple in silico algorithms, and/or has population frequency not consistent with disease.